The following is an entry in ClinVar:

ClinVar aggregate classification (germline): Uncertain significance (1 of 4 stars; one submission).

Conditions:
FREM2-related disorder. Also called: FREM2-related condition.

Submission:

PreventionGenetics, part of Exact Sciences
Classification: Uncertain significance for FREM2-related condition. Last evaluated: 2025-09-04. Review status: criteria provided, single submitter. Criteria: ACMG Guidelines, 2015. Collection method: clinical testing. Allele origin: germline.
Comment: The FREM2 c.7845C>A variant is predicted to result in the amino acid substitution p.Ser2615Arg. To our knowledge, this variant has not been reported in the literature or in a large population database (gnomAD), indicating this variant is rare. At this time, the clinical significance of this variant is uncertain due to the absence of conclusive functional and genetic evidence.

NM_207361.6(FREM2):c.7845C>A (p.Ser2615Arg)

Gene: FREM2 (FRAS1 related extracellular matrix 2; plus strand). Cytogenetic location: 13q13.3.
Variant type: single nucleotide variant.
Coding change: c.7845C>A on transcript NM_207361.6 (MANE Select); coding-DNA position 7845, C replaced by A.
Protein change: p.Ser2615Arg; replaces serine 2615 with arginine.
Molecular consequence: missense variant.
Genome position (GRCh38, 1-based): chr13:38,864,468, C>A. VCF-style: chr13-38864468-C-A. GRCh37 (hg19) VCF-style: chr13-39438605-C-A.
Other names: short protein forms S2615R.
Identifiers: ClinVar variation 4992409 (VCV004992409.1).